The following is an entry in ClinVar:

NM_024063.3(AFG2B):c.190C>T (p.Arg64Trp)

Genes: AFG2B (AFG2 AAA ATPase homolog B; plus strand), LOC130056997 (ATAC-STARR-seq lymphoblastoid silent region 6407; plus strand). Cytogenetic location: 15q21.1.
Variant type: single nucleotide variant.
Coding change: c.190C>T on transcript NM_024063.3 (MANE Select); coding-DNA position 190, C replaced by T.
Protein change: p.Arg64Trp; replaces arginine 64 with tryptophan.
Molecular consequence: missense variant. On other transcripts: non-coding transcript variant (5).
Genome position (GRCh38, 1-based): chr15:45,402,619, C>T. VCF-style: chr15-45402619-C-T. GRCh37 (hg19) VCF-style: chr15-45694817-C-T.
Other names: c.190C>T, p.Arg64Trp (NM_001323640.2); short protein forms R64W.
Identifiers: ClinVar variation 1275865 (VCV001275865.21), dbSNP rs1212383243, ClinGen allele CA392258933.

ClinVar aggregate classification (germline): Likely pathogenic. Review status: criteria provided, single submitter (1 of 4 stars). 2 submissions from 2 submitters: Likely pathogenic (1). 1 of the submissions does not count toward it. Last evaluated 2021-08-27.

Conditions:
Neurodevelopmental disorder with hearing loss and spasticity. Identifiers: Orphanet 659975, MedGen C5562024, MONDO:0859206, OMIM 619616.

Allele frequency attached by ClinVar (database versions not stated): TOPMed below 0.00001; gnomAD 0.00001.
gnomAD v4.1: 4 of 1,576,742 alleles (0.00025%); highest among the groups gnomAD compares: Non-Finnish European, 0.00034%; no homozygotes.

Submissions (2):

GeneDx
Classification: Likely pathogenic. Last evaluated: 2021-08-27. Review status: criteria provided, single submitter. Criteria: GeneDx Variant Classification Process June 2021. Collection method: clinical testing. Allele origin: germline. Affected: yes.
Comment: Not observed at significant frequency in large population cohorts (Lek et al., 2016); In silico analysis supports that this missense variant has a deleterious effect on protein structure/function

OMIM
Classification: Pathogenic for NEURODEVELOPMENTAL DISORDER WITH HEARING LOSS AND SPASTICITY. Last evaluated: 2023-04-19. Review status: no assertion criteria provided. Collection method: literature only. Allele origin: germline. Not counted in ClinVar's aggregate classification.

Literature cited by the submitters: PubMed 34626583 (cited by OMIM).